The following is an entry in ClinVar:

NM_014254.3(RXYLT1):c.251G>A (p.Ser84Asn)

Gene: RXYLT1 (ribitol xylosyltransferase 1; plus strand). Cytogenetic location: 12q14.2.
Variant type: single nucleotide variant.
Coding change: c.251G>A on transcript NM_014254.3 (MANE Select); coding-DNA position 251, G replaced by A.
Protein change: p.Ser84Asn; replaces serine 84 with asparagine.
Molecular consequence: missense variant. On other transcripts: 5 prime UTR variant (1).
Genome position (GRCh38, 1-based): chr12:63,781,100, G>A. VCF-style: chr12-63781100-G-A. GRCh37 (hg19) VCF-style: chr12-64174880-G-A.
Other names: c.-530G>A (NM_001278237.2); c.251G>A (NM_014254.1); short protein forms S84N.
Identifiers: ClinVar variation 1014698 (VCV001014698.7), dbSNP rs758007661, ClinGen allele CA6666029.

ClinVar aggregate classification (germline): Uncertain significance. Review status: criteria provided, multiple submitters, no conflicts (2 of 4 stars). 2 submissions from 2 submitters: Uncertain significance (2). Last evaluated 2025-02-07.

Conditions:
Inborn genetic diseases. Identifiers: MedGen C0950123, MeSH D030342.

Allele frequency attached by ClinVar (database versions not stated): gnomAD below 0.00001 and 0.00001; gnomAD exomes 0.00003 and 0.00004; ExAC 0.00006.
gnomAD v4.1: 39 of 1,609,572 alleles (0.0024%); highest among the groups gnomAD compares: South Asian, 0.043%; no homozygotes.

Submissions (2):

Ambry Genetics
Classification: Uncertain significance for Inborn genetic diseases. Last evaluated: 2025-02-07. Review status: criteria provided, single submitter. Criteria: Ambry Variant Classification Scheme 2023. Collection method: clinical testing. Allele origin: germline.

Labcorp Genetics (formerly Invitae), Labcorp
Classification: Uncertain significance. Last evaluated: 2022-02-17. Review status: criteria provided, single submitter. Criteria: Invitae Variant Classification Sherloc (09022015). Collection method: clinical testing. Allele origin: germline.
Comment: This sequence change replaces serine, which is neutral and polar, with asparagine, which is neutral and polar, at codon 84 of the RXYLT1 protein (p.Ser84Asn). This variant is present in population databases (rs758007661, gnomAD 0.03%). This variant has not been reported in the literature in individuals affected with RXYLT1-related conditions. ClinVar contains an entry for this variant (Variation ID: 1014698). Algorithms developed to predict the effect of missense changes on protein structure and function output the following: SIFT: "Tolerated"; PolyPhen-2: "Benign"; Align-GVGD: "Class C0". The asparagine amino acid residue is found in multiple mammalian species, which suggests that this missense change does not adversely affect protein function. In summary, the available evidence is currently insufficient to determine the role of this variant in disease. Therefore, it has been classified as a Variant of Uncertain Significance.